The following is an entry in ClinVar:

NM_001360.3(DHCR7):c.198C>T (p.Cys66=)

Gene: DHCR7 (7-dehydrocholesterol reductase; minus strand). Cytogenetic location: 11q13.4.
Variant type: single nucleotide variant.
Coding change: c.198C>T on transcript NM_001360.3 (MANE Select); coding-DNA position 198, C replaced by T.
Protein change: p.Cys66=; no amino-acid change (cysteine 66 retained).
Molecular consequence: synonymous variant.
Genome position (GRCh38, 1-based): chr11:71,444,116, G>A on the plus strand (C>T on the coding strand, the complement: DHCR7 is on the minus strand). VCF-style: chr11-71444116-G-A. GRCh37 (hg19) VCF-style: chr11-71155162-G-A.
Other names: c.198C>T (NM_001360.2); c.198C>T, p.Cys66= (NM_001163817.2).
Identifiers: ClinVar variation 290442 (VCV000290442.16), dbSNP rs775127532, ClinGen allele CA6162667.
Genomic context (GRCh38, chr11:71,444,116, plus strand): 5'-CCAGATGTCCGAGAGCCGAGCATGTCCGGTGACGATGTCCACCACAGGGCCAGTCAGGGC[G>A]CAGCTGTACTGGTCACAAGCCATGATGAAGTAGTAGACGATGAAGGGGGCGAACAGCAGT-3'
Protein context (NP_001351.2, residues 56-76): YFIMACDQYS[Cys66=]ALTGPVVDIV

ClinVar aggregate classification (germline): Conflicting classifications of pathogenicity. Review status: criteria provided, conflicting classifications (1 of 4 stars). 4 submissions from 4 submitters: Uncertain significance (1); Likely benign (2). 1 of the submissions does not count toward it. Last evaluated 2024-10-18.

Conditions:
Smith-Lemli-Opitz syndrome (SLOS). Also called: LETHAL ACRODYSGENITAL SYNDROME; 7-Dehydrocholesterol reductase deficiency; POLYDACTYLY, SEX REVERSAL, RENAL HYPOPLASIA, AND UNILOBAR LUNG; RSH SYNDROME; RUTLEDGE LETHAL MULTIPLE CONGENITAL ANOMALY SYNDROME. Identifiers: Orphanet 818, MedGen C0175694, MONDO:0010035, OMIM 270400.
DHCR7-related disorder. Also called: DHCR7-related condition.

Allele frequency attached by ClinVar (database versions not stated): gnomAD exomes 0.00001 and 0.00002; ExAC 0.00003; gnomAD 0.00003; TOPMed 0.00004.

Submissions (4):

Labcorp Genetics (formerly Invitae), Labcorp
Classification: Likely benign for Smith-Lemli-Opitz syndrome. Last evaluated: 2024-10-18. Review status: criteria provided, single submitter. Criteria: Invitae Variant Classification Sherloc (09022015). Collection method: clinical testing. Allele origin: germline.

Blueprint Genetics
Classification: Likely benign. Last evaluated: 2020-06-12. Review status: criteria provided, single submitter. Criteria: ACMG Guidelines, 2015. Collection method: clinical testing. Allele origin: germline.

Eurofins Ntd Llc (ga)
Classification: Uncertain significance. Last evaluated: 2016-08-16. Review status: criteria provided, single submitter. Criteria: EGL Classification Definitions 2015. Collection method: clinical testing. Allele origin: germline. Observed: 1 variant allele, 1 heterozygote.

PreventionGenetics, part of Exact Sciences
Classification: Likely benign for DHCR7-related condition. Last evaluated: 2019-04-04. Review status: no assertion criteria provided. Collection method: clinical testing. Allele origin: germline. Not counted in ClinVar's aggregate classification.
Comment: This variant is classified as likely benign based on ACMG/AMP sequence variant interpretation guidelines (Richards et al. 2015 PMID: 25741868, with internal and published modifications).